The following is an entry in ClinVar:

NM_002529.4(NTRK1):c.1739C>G (p.Thr580Ser)

Gene: NTRK1 (neurotrophic receptor tyrosine kinase 1; plus strand). Cytogenetic location: 1q23.1.
Variant type: single nucleotide variant.
Coding change: c.1739C>G on transcript NM_002529.4 (MANE Select); coding-DNA position 1739, C replaced by G.
Protein change: p.Thr580Ser; replaces threonine 580 with serine.
Molecular consequence: missense variant.
Genome position (GRCh38, 1-based): chr1:156,876,506, C>G. VCF-style: chr1-156876506-C-G. GRCh37 (hg19) VCF-style: chr1-156846298-C-G.
Other names: c.1631C>G, p.Thr544Ser (NM_001007792.1); c.1721C>G, p.Thr574Ser (NM_001012331.2); short protein forms T574S, T580S, T544S.
Identifiers: ClinVar variation 964819 (VCV000964819.9), dbSNP rs777123174, ClinGen allele CA1169454.

ClinVar aggregate classification (germline): Uncertain significance. Review status: criteria provided, multiple submitters, no conflicts (2 of 4 stars). 4 submissions from 4 submitters: Uncertain significance (3). 1 of the submissions does not count toward it. Last evaluated 2023-04-11.

Conditions:
Inborn genetic diseases. Identifiers: MedGen C0950123, MeSH D030342.
Hereditary insensitivity to pain with anhidrosis (CIPA). Also called: NTRK1 Congenital Insensitivity to Pain with Anhidrosis; FAMILIAL DYSAUTONOMIA, TYPE II; HSAN Type IV; hereditary sensory and autonomic neuropathy type 4; NEUROPATHY, CONGENITAL SENSORY, WITH ANHIDROSIS; INSENSITIVITY TO PAIN, CONGENITAL, WITH ANHIDROSIS. Identifiers: Orphanet 642, MedGen C0020074, MONDO:0009746, OMIM 256800.

Allele frequency attached by ClinVar (database versions not stated): gnomAD exomes 0.00001; ExAC 0.00002.
gnomAD v4.1: 11 of 1,613,720 alleles (0.00068%); highest among the groups gnomAD compares: South Asian, 0.012%; no homozygotes.

Submissions (4):

Genome-Nilou Lab
Classification: Uncertain significance for Hereditary insensitivity to pain with anhidrosis. Last evaluated: 2023-04-11. Review status: criteria provided, single submitter. Criteria: ACMG Guidelines, 2015. Collection method: clinical testing. Allele origin: germline. Affected: no.

Labcorp Genetics (formerly Invitae), Labcorp
Classification: Uncertain significance for Hereditary insensitivity to pain with anhidrosis. Last evaluated: 2021-08-26. Review status: criteria provided, single submitter. Criteria: Invitae Variant Classification Sherloc (09022015). Collection method: clinical testing. Allele origin: germline.
Comment: This sequence change replaces threonine with serine at codon 574 of the NTRK1 protein (p.Thr574Ser). The threonine residue is highly conserved and there is a small physicochemical difference between threonine and serine. This variant is present in population databases (rs777123174, ExAC 0.01%). This variant has not been reported in the literature in individuals affected with NTRK1-related conditions. Algorithms developed to predict the effect of missense changes on protein structure and function are either unavailable or do not agree on the potential impact of this missense change (SIFT: "Tolerated"; PolyPhen-2: "Possibly Damaging"; Align-GVGD: "Class C0"). Algorithms developed to predict the effect of sequence changes on RNA splicing suggest that this variant may create or strengthen a splice site. In summary, the available evidence is currently insufficient to determine the role of this variant in disease. Therefore, it has been classified as a Variant of Uncertain Significance.

Ambry Genetics
Classification: Uncertain significance for Inborn genetic diseases. Last evaluated: 2019-11-12. Review status: criteria provided, single submitter. Criteria: Ambry Variant Classification Scheme 2023. Collection method: clinical testing. Allele origin: germline.
Comment: The p.T574S variant (also known as c.1721C>G), located in coding exon 13 of the NTRK1 gene, results from a C to G substitution at nucleotide position 1721. The threonine at codon 574 is replaced by serine, an amino acid with similar properties. This amino acid position is well conserved in available vertebrate species. In addition, this alteration is predicted to be tolerated by in silico analysis. Since supporting evidence is limited at this time, the clinical significance of this alteration remains unclear.

Natera, Inc.
Classification: Uncertain significance for Hereditary insensitivity to pain with anhidrosis. Last evaluated: 2020-03-13. Review status: no assertion criteria provided. Collection method: clinical testing. Allele origin: germline. Not counted in ClinVar's aggregate classification.